The following is an entry in ClinVar:

NM_001378452.1(ITPR1):c.1744del (p.Gln582fs)

Gene: ITPR1 (inositol 1,4,5-trisphosphate receptor type 1; plus strand). Cytogenetic location: 3p26.1.
Variant type: Deletion.
Coding change: c.1744del on transcript NM_001378452.1 (MANE Select); coding-DNA position 1744, one base deleted (C; older notation c.1744delC).
Protein change: p.Gln582fs; shifts the reading frame from glutamine 582.
Molecular consequence: frameshift variant.
Genome position (GRCh38, 1-based): chr3:4,667,407, C deleted. VCF-style (leftmost placement, unchanged base first): chr3-4667406-GC-G. GRCh37 (hg19) VCF-style: chr3-4709090-GC-G.
Other names: c.1744del, p.Gln582fs (NM_001099952.4); c.1699del, p.Gln567fs (NM_001168272.2, NM_002222.7); short protein forms Q567fs, Q582fs.
Identifiers: ClinVar variation 1256602 (VCV001256602.1), dbSNP rs2125201760, ClinGen allele CA2499216794.

ClinVar aggregate classification (germline): Likely pathogenic (1 of 4 stars; one submission).

Submission:

Athena Diagnostics
Classification: Likely pathogenic. Last evaluated: 2020-11-11. Review status: criteria provided, single submitter. Criteria: Athena Diagnostics criteria. Collection method: clinical testing. Allele origin: unknown.
Comment: This variant is expected to result in the loss of a functional protein. This variant has not been reported in large, multi-ethnic general populations. However, different variants in ITPR1 that are also expected to result in the loss of a functional protein have been reported in patients with autosomal recessive Gillespie syndrome and autosomal dominant spinocerebellar ataxia.